The following is an entry in ClinVar:

NM_001048174.2(MUTYH):c.1509T>A (p.Asn503Lys)

Gene: MUTYH (mutY DNA glycosylase; minus strand). Cytogenetic location: 1p34.1.
Variant type: single nucleotide variant.
Coding change: c.1509T>A on transcript NM_001048174.2 (MANE Select); coding-DNA position 1509, T replaced by A.
Protein change: p.Asn503Lys; replaces asparagine 503 with lysine.
Molecular consequence: missense variant. On other transcripts: non-coding transcript variant (7).
Genome position (GRCh38, 1-based): chr1:45,329,363, A>T on the plus strand (T>A on the coding strand, the complement: MUTYH is on the minus strand). VCF-style: chr1-45329363-A-T. GRCh37 (hg19) VCF-style: chr1-45795035-A-T.
Other names: c.1509T>A, p.Asn503Lys (NM_001048171.2, NM_001048173.2, NM_001293195.2 and 6 more transcripts); c.1512T>A, p.Asn504Lys (NM_001048172.2, NM_001407086.1, NM_001407071.1 and 1 more transcripts); c.1593T>A, p.Asn531Lys (NM_001128425.2); c.1554T>A, p.Asn518Lys (NM_001293190.2); c.1542T>A, p.Asn514Lys (NM_001293191.2, NM_001407069.1, NM_001407077.1); c.1233T>A, p.Asn411Lys (NM_001293192.2, NM_001293196.2, NM_001407091.1); c.1164T>A, p.Asn388Lys (NM_001350650.2, NM_001350651.2, NM_001407082.1); c.1551T>A, p.Asn517Lys (NM_001407083.1, NM_001407085.1); and 5 more; short protein forms N388K, N489K, N503K, N528K, N517K, N411K, N475K, N514K.
Identifiers: ClinVar variation 4113411 (VCV004113411.1).
Genomic context (GRCh38, chr1:45,329,363, plus strand): 5'-GTGTCACTGGGCTGCACTGTTGAGGCTGTGTGCATCAGTGGAGATGTGAGACCGAAAGAA[A>T]TTATCCAGGACTTGCTGGCCCATGCGGGGCTTTTTCCGACTGCACGGAGAGGACACCTGG-3'
Protein context (NP_001041639.1, residues 493-513): KPRMGQQVLD[Asn503Lys]FFRSHISTDA

ClinVar aggregate classification (germline): Uncertain significance (1 of 4 stars; one submission).

Conditions:
Hereditary cancer-predisposing syndrome. Also called: Tumor predisposition; Neoplastic Syndromes, Hereditary; Hereditary neoplastic syndrome; Hereditary Cancer Syndrome. Identifiers: Orphanet 140162, MedGen C0027672, MeSH D009386, MONDO:0015356.

Submission:

Ambry Genetics
Classification: Uncertain significance for Hereditary cancer-predisposing syndrome. Last evaluated: 2025-08-27. Review status: criteria provided, single submitter. Criteria: Ambry Variant Classification Scheme 2023. Collection method: clinical testing. Allele origin: germline.
Comment: The p.N531K variant (also known as c.1593T>A), located in coding exon 16 of the MUTYH gene, results from a T to A substitution at nucleotide position 1593. The asparagine at codon 531 is replaced by lysine, an amino acid with similar properties. This amino acid position is conserved. In addition, this alteration is predicted to be tolerated by in silico analysis. Based on the available evidence, the clinical significance of this variant remains unclear.